The following is an entry in ClinVar:

ClinVar aggregate classification (germline): Uncertain significance (1 of 4 stars; one submission).

Conditions:
Charcot-Marie-Tooth disease axonal type 2F (CMT2F). Also called: CHARCOT-MARIE-TOOTH DISEASE, NEURONAL, TYPE 2F; Charcot-Marie-Tooth Neuropathy Type 2F. Identifiers: Orphanet 99940, MedGen C1847823, MONDO:0011687, OMIM 606595.

gnomAD v4.1: 1 of 1,523,046 alleles (0.000066%); highest among the groups gnomAD compares: Non-Finnish European, 0.000088%; no homozygotes.

Submission:

Labcorp Genetics (formerly Invitae), Labcorp
Classification: Uncertain significance for Charcot-Marie-Tooth disease axonal type 2F. Last evaluated: 2025-08-29. Review status: criteria provided, single submitter. Criteria: Invitae Variant Classification Sherloc (09022015). Collection method: clinical testing. Allele origin: germline.
Comment: This sequence change affects a donor splice site in intron 1 of the HSPB1 gene. It is expected to disrupt RNA splicing. Variants that disrupt the donor or acceptor splice site typically lead to a loss of protein function (PMID: 16199547), however the current clinical and genetic evidence is not sufficient to establish whether loss-of-function variants in HSPB1 cause disease. This variant is not present in population databases (gnomAD no frequency). This variant has not been reported in the literature in individuals affected with HSPB1-related conditions. Algorithms developed to predict the effect of sequence changes on RNA splicing suggest that this variant may disrupt the consensus splice site. In summary, the available evidence is currently insufficient to determine the role of this variant in disease. Therefore, it has been classified as a Variant of Uncertain Significance.

Literature cited by the submitters: PubMed 16199547.

NM_001540.5(HSPB1):c.364+1G>A

Gene: HSPB1 (heat shock protein family B (small) member 1; plus strand). Cytogenetic location: 7q11.23.
Variant type: single nucleotide variant.
Coding change: c.364+1G>A on transcript NM_001540.5 (MANE Select); the canonical splice donor site of the intron after coding-DNA position 364, G replaced by A.
Molecular consequence: splice donor variant.
Genome position (GRCh38, 1-based): chr7:76,303,077, G>A. VCF-style: chr7-76303077-G-A. GRCh37 (hg19) VCF-style: chr7-75932394-G-A.
Identifiers: ClinVar variation 4697514 (VCV004697514.1).